The following is an entry in ClinVar:

NM_003590.5(CUL3):c.1207-28T>G

Gene: CUL3 (cullin 3; minus strand). Cytogenetic location: 2q36.2.
Variant type: single nucleotide variant.
Coding change: c.1207-28T>G on transcript NM_003590.5 (MANE Select); 28 bases into the intron before coding-DNA position 1207, T replaced by G.
Molecular consequence: intron variant.
Genome position (GRCh38, 1-based): chr2:224,503,850, A>C on the plus strand (T>G on the coding strand, the complement: CUL3 is on the minus strand). VCF-style: chr2-224503850-A-C. GRCh37 (hg19) VCF-style: chr2-225368567-A-C.
Other names: EX9_t(-28)g; IVS8, T-G, -28; c.1009-28T>G (NM_001257197.2); c.1225-28T>G (NM_001257198.2).
Identifiers: ClinVar variation 100518 (VCV000100518.3), dbSNP rs199469649, ClinGen allele CA269957.

ClinVar aggregate classification (germline): Pathogenic. Review status: no assertion criteria provided (0 of 4 stars). 2 submissions from 2 submitters: Pathogenic (2). Last evaluated 2012-01-22.

Conditions:
Pseudohypoaldosteronism type 2E (PHA2E). Also called: Pseudohypoaldosteronism Type IIE. Identifiers: Orphanet 300530, Orphanet 757, MedGen C3469606, MONDO:0013782, OMIM 614496.
Pseudohypoaldosteronism type 2A (PHA2A). Also called: GORDON HYPERKALEMIA-HYPERTENSION SYNDROME; HYPERTENSIVE HYPERKALEMIA, FAMILIAL. Identifiers: Orphanet 757, Orphanet 88938, MedGen C1840389, MONDO:0007772, OMIM 145260.

Allele frequency attached by ClinVar (database versions not stated): TOPMed below 0.00001.

Submissions (2):

OMIM
Classification: Pathogenic for PSEUDOHYPOALDOSTERONISM, TYPE IIE. Last evaluated: 2012-01-22. Review status: no assertion criteria provided. Collection method: literature only. Allele origin: germline.

Richard Lifton Laboratory, Yale University School of Medicine
Classification: Pathogenic for Pseudohypoaldosteronism, type 2. Review status: no assertion criteria provided. Collection method: not provided. Allele origin: germline.
Comment: dominant;intron 8 branch point
ClinVar note: Converted during submission from pathogenic to Pathogenic.

Literature cited by the submitters: PubMed 22266938 (cited by OMIM).